The following is an entry in ClinVar:

NM_007294.4(BRCA1):c.2467del (p.Arg823fs)

Gene: BRCA1 (BRCA1 DNA repair associated; minus strand). Cytogenetic location: 17q21.31.
Variant type: Deletion.
Coding change: c.2467del on transcript NM_007294.4 (MANE Select); coding-DNA position 2467, one base deleted (A; older notation c.2467delA).
Protein change: p.Arg823fs; shifts the reading frame from arginine 823.
Molecular consequence: frameshift variant. On other transcripts: intron variant (137).
Genome position (GRCh38, 1-based): chr17:43,093,064, T deleted on the plus strand (A on the coding strand, the reverse complement: BRCA1 is on the minus strand). VCF-style (leftmost placement, unchanged base first): chr17-43093063-CT-C. GRCh37 (hg19) VCF-style: chr17-41245080-CT-C.
Other names: c.2254del, p.Arg752fs (NM_001407571.1, NM_001407853.1, NM_001407894.1 and 9 more transcripts); c.2467del, p.Arg823fs (NM_001407581.1, NM_001407582.1, NM_001407583.1 and 30 more transcripts); c.2464del, p.Arg822fs (NM_001407587.1, NM_001407590.1, NM_001407591.1 and 22 more transcripts); c.2458del, p.Arg820fs (NM_001407646.1, NM_001407647.1); c.2344del, p.Arg782fs (NM_001407648.1, NM_001407664.1, NM_001407665.1 and 19 more transcripts); c.2341del, p.Arg781fs (NM_001407649.1, NM_001407670.1, NM_001407671.1 and 11 more transcripts); c.2389del, p.Arg797fs (NM_001407653.1, NM_001407654.1, NM_001407655.1 and 4 more transcripts); c.2386del, p.Arg796fs (NM_001407659.1, NM_001407660.1, NM_001407661.1 and 1 more transcripts); and 41 more; short protein forms R776fs, R823fs, R696fs, R734fs, R752fs, R695fs, R711fs, R712fs.
Identifiers: ClinVar variation 421918 (VCV000421918.3), dbSNP rs1064795446, ClinGen allele CA16620438.

ClinVar aggregate classification (germline): Pathogenic. Review status: reviewed by expert panel (3 of 4 stars). 2 submissions from 2 submitters: Pathogenic (1). 1 of the submissions does not count toward it. Last evaluated 2017-12-15.

Conditions:
Breast-ovarian cancer, familial, susceptibility to, 1 (BROVCA1). Also called: BRCA1 Hereditary Breast and Ovarian Cancer; OVARIAN CANCER, SUSCEPTIBILITY TO. Identifiers: Orphanet 145, MedGen C2676676, MONDO:0011450, OMIM 604370. Disease mechanism: loss of function.

Submissions (2):

Evidence-based Network for the Interpretation of Germline Mutant Alleles (ENIGMA)
Classification: Pathogenic for Breast-ovarian cancer, familial, susceptibility to, 1. Last evaluated: 2017-12-15. Review status: reviewed by expert panel. Criteria: ENIGMA BRCA1/2 Classification Criteria (2017-06-29). Collection method: curation. Allele origin: germline. Study: ENIGMA.
Comment: Variant allele predicted to encode a truncated non-functional protein.

GeneDx
Classification: Pathogenic. Last evaluated: 2016-10-10. Review status: criteria provided, single submitter. Criteria: GeneDx Variant Classification (06012015). Collection method: clinical testing. Allele origin: germline. Affected: yes. Not counted in ClinVar's aggregate classification.
Comment: This deletion of one nucleotide in BRCA1 is denoted c.2467delA at the cDNA level and p.Arg823GlufsX23 (R823EfsX23) at the protein level. Using alternate nomenclature, this variant would be defined as BRCA1 2586delA. The normal sequence, with the base that is deleted in braces, is TAAT[A]GAAA. The deletion causes a frameshift which changes an Arginine to a Glutamic Acid at codon 823, and creates a premature stop codon at position 23 of the new reading frame. Although this variant has not, to our knowledge, been reported in the literature, it is predicted to cause loss of normal protein function through either protein truncation or nonsense-mediated mRNA decay. We consider this variant to be pathogenic.